The following is an entry in ClinVar:

NM_000094.4(COL7A1):c.4920_4921dup (p.Asp1641fs)

Gene: COL7A1 (collagen type VII alpha 1 chain; minus strand). Cytogenetic location: 3p21.31.
Variant type: Duplication.
Coding change: c.4920_4921dup on transcript NM_000094.4 (MANE Select); coding-DNA positions 4920 to 4921, 2 bases duplicated (TG; older notation c.4920_4921dupTG).
Protein change: p.Asp1641fs; shifts the reading frame from aspartic acid 1641.
Molecular consequence: frameshift variant.
Genome position (GRCh38, 1-based): chr3:48,581,136-48,581,137, CA duplicated on the plus strand (TG on the coding strand, the reverse complement: COL7A1 is on the minus strand); duplicating any 2 consecutive bases within chr3:48,581,136-48,581,138 gives the same sequence; the c. name uses the placement nearest the transcript's 3' end. VCF-style (leftmost placement, unchanged base first): chr3-48581135-T-TCA. GRCh37 (hg19) VCF-style: chr3-48618568-T-TCA.
Other names: c.4920_4921dup (NM_000094.3); short protein forms D1641fs.
Identifiers: ClinVar variation 4065245 (VCV004065245.2).

ClinVar aggregate classification (germline): Likely pathogenic (1 of 4 stars; one submission).

Conditions:
Epidermolysis bullosa dystrophica. Also called: Dystrophic epidermolysis bullosa, Hallopeau-Siemens type (formerly); Dystrophic epidermolysis bullosa. Identifiers: Orphanet 303, MedGen C0079294, MONDO:0006543.

Submission:

Natera, Inc.
Classification: Likely pathogenic for Dystrophic epidermolysis bullosa. Last evaluated: 2025-02-17. Review status: criteria provided, single submitter. Criteria: Natera Variant Classification Schema (03/2026). Collection method: clinical testing. Allele origin: germline.
Comment: The c.4920_4921dup variant in COL7A1 is a frameshift variant predicted to shift the reading frame beginning at codon 1641 and leads to a stop codon 70 codons downstream. This variant is expected to result in nonsense mediated decay, truncation, or a dysfunctional protein product. This variant is rare in the general population with a frequency below the threshold expected for the associated phenotype(s). Given the available evidence, this variant is classified as Likely Pathogenic.